The following is an entry in ClinVar:

ClinVar aggregate classification (germline): Uncertain significance (1 of 4 stars; one submission).

Submission:

GeneDx
Classification: Uncertain significance. Last evaluated: 2022-02-14. Review status: criteria provided, single submitter. Criteria: GeneDx Variant Classification Process June 2021. Collection method: clinical testing. Allele origin: germline. Affected: yes.
Comment: Not observed at significant frequency in large population cohorts (gnomAD); In silico analysis supports that this missense variant has a deleterious effect on protein structure/function; Has not been previously published as pathogenic or benign to our knowledge; This variant is associated with the following publications: (PMID: 27839871)

NM_000834.5(GRIN2B):c.2308T>G (p.Ser770Ala)

Gene: GRIN2B (glutamate ionotropic receptor NMDA type subunit 2B; minus strand). Cytogenetic location: 12p13.1.
Variant type: single nucleotide variant.
Coding change: c.2308T>G on transcript NM_000834.5 (MANE Select); coding-DNA position 2308, T replaced by G.
Protein change: p.Ser770Ala; replaces serine 770 with alanine.
Molecular consequence: missense variant.
Genome position (GRCh38, 1-based): chr12:13,569,881, A>C on the plus strand (T>G on the coding strand, the complement: GRIN2B is on the minus strand). VCF-style: chr12-13569881-A-C. GRCh37 (hg19) VCF-style: chr12-13722815-A-C.
Other names: short protein forms S770A.
Identifiers: ClinVar variation 1700988 (VCV001700988.2), dbSNP rs2136413207, ClinGen allele CA383998060.